The following is an entry in ClinVar:

NM_000051.4(ATM):c.5935G>A (p.Glu1979Lys)

Genes: ATM (ATM serine/threonine kinase; plus strand), C11orf65 (chromosome 11 open reading frame 65; minus strand). Cytogenetic location: 11q22.3.
Variant type: single nucleotide variant.
Coding change: c.5935G>A on transcript NM_000051.4 (MANE Select); coding-DNA position 5935, G replaced by A.
Protein change: p.Glu1979Lys; replaces glutamic acid 1979 with lysine.
Molecular consequence: missense variant. On other transcripts: intron variant (2).
Genome position (GRCh38, 1-based): chr11:108,312,427, G>A. VCF-style: chr11-108312427-G-A. GRCh37 (hg19) VCF-style: chr11-108183154-G-A.
Other names: c.5935G>A, p.Glu1979Lys (NM_001351834.2); c.641-3356C>T (NM_001330368.2); c.*39-3356C>T (NM_001351110.2); short protein forms E1979K.
Identifiers: ClinVar variation 2693942 (VCV002693942.3), dbSNP rs1555111763, ClinGen allele CA382548660.

ClinVar aggregate classification (germline): Uncertain significance (1 of 4 stars; one submission).

Conditions:
Ataxia-telangiectasia syndrome (AT). Also called: LOUIS-BAR SYNDROME; Cerebello-oculocutaneous telangiectasia; Immunodeficiency with ataxia telangiectasia; Ataxia telangiectasia (A-T); Ataxia-telangiectasia, complementation group D; AT, COMPLEMENTATION GROUP C. Identifiers: Orphanet 100, MedGen C0004135, MONDO:0008840, OMIM 208900.

Submission:

Labcorp Genetics (formerly Invitae), Labcorp
Classification: Uncertain significance for Ataxia-telangiectasia syndrome. Last evaluated: 2023-11-07. Review status: criteria provided, single submitter. Criteria: Invitae Variant Classification Sherloc (09022015). Collection method: clinical testing. Allele origin: germline.
Comment: This sequence change replaces glutamic acid, which is acidic and polar, with lysine, which is basic and polar, at codon 1979 of the ATM protein (p.Glu1979Lys). This variant is not present in population databases (gnomAD no frequency). This variant has not been reported in the literature in individuals affected with ATM-related conditions. An algorithm developed to predict the effect of missense changes on protein structure and function (PolyPhen-2) suggests that this variant is likely to be tolerated. Algorithms developed to predict the effect of sequence changes on RNA splicing suggest that this variant may disrupt the consensus splice site. In summary, the available evidence is currently insufficient to determine the role of this variant in disease. Therefore, it has been classified as a Variant of Uncertain Significance.